The following is an entry in ClinVar:

ClinVar aggregate classification (germline): Pathogenic (1 of 4 stars; one submission).

Submission:

Labcorp Genetics (formerly Invitae), Labcorp
Classification: Pathogenic. Last evaluated: 2024-11-13. Review status: criteria provided, single submitter. Criteria: Invitae Variant Classification Sherloc (09022015). Collection method: clinical testing. Allele origin: germline.
Comment: This sequence change creates a premature translational stop signal (p.Trp1072Serfs*52) in the ARID1B gene. It is expected to result in an absent or disrupted protein product. Loss-of-function variants in ARID1B are known to be pathogenic (PMID: 25674384, 30349098). This variant is not present in population databases (gnomAD no frequency). This variant has not been reported in the literature in individuals affected with ARID1B-related conditions. For these reasons, this variant has been classified as Pathogenic.

Literature cited by the submitters: PubMed 25674384; PubMed 30349098.

NM_001374828.1(ARID1B):c.3584_3602del (p.Trp1195fs)

Gene: ARID1B (AT-rich interaction domain 1B; plus strand). Cytogenetic location: 6q25.3.
Variant type: Deletion.
Coding change: c.3584_3602del on transcript NM_001374828.1 (MANE Select); coding-DNA positions 3584 to 3602, 19 bases deleted (GGGTCGACCGATACCTCAC).
Protein change: p.Trp1195fs; shifts the reading frame from tryptophan 1195.
Molecular consequence: frameshift variant.
Genome position (GRCh38, 1-based): chr6:157,181,048-157,181,066, GGGTCGACCGATACCTCAC deleted. VCF-style (leftmost placement, unchanged base first): chr6-157181047-TGGGTCGACCGATACCTCAC-T. GRCh37 (hg19) VCF-style: chr6-157502181-TGGGTCGACCGATACCTCAC-T.
Other names: c.1085_1103del, p.Trp362fs (NM_001363725.2); c.3464_3482del, p.Trp1155fs (NM_001371656.1, NM_001374820.1); c.3425_3443del, p.Trp1142fs (NM_017519.3); short protein forms W1142fs, W362fs, W1155fs, W1195fs.
Identifiers: ClinVar variation 3725178 (VCV003725178.2).